The following is an entry in ClinVar:

NM_001854.4(COL11A1):c.2588C>A (p.Ala863Asp)

Gene: COL11A1 (collagen type XI alpha 1 chain; minus strand). Cytogenetic location: 1p21.1.
Variant type: single nucleotide variant.
Coding change: c.2588C>A on transcript NM_001854.4 (MANE Select); coding-DNA position 2588, C replaced by A.
Protein change: p.Ala863Asp; replaces alanine 863 with aspartic acid.
Molecular consequence: missense variant. On other transcripts: non-coding transcript variant (1).
Genome position (GRCh38, 1-based): chr1:102,979,404, G>T on the plus strand (C>A on the coding strand, the complement: COL11A1 is on the minus strand). VCF-style: chr1-102979404-G-T. GRCh37 (hg19) VCF-style: chr1-103444960-G-T.
Other names: c.2471C>A, p.Ala824Asp (NM_001190709.2); c.2624C>A, p.Ala875Asp (NM_080629.3); c.2240C>A, p.Ala747Asp (NM_080630.4); short protein forms A747D, A824D, A863D, A875D.
Identifiers: ClinVar variation 4885212 (VCV004885212.2).

ClinVar aggregate classification (germline): Uncertain significance (1 of 4 stars; one submission).

Submission:

Dasa
Classification: Uncertain significance. Last evaluated: 2025-06-21. Review status: criteria provided, single submitter. Criteria: DASA Assertion Criteria. Collection method: clinical testing. Allele origin: germline.
Comment: NM_001854.4(COL11A1):c.2588C>A (p.Ala863Asp) is a missense variant that results in the substitution of alanine with aspartic acid. This variant is absent from population databases. Computational prediction algorithms are consistent with a deleterious effect. The currently available literature and clinical evidence are not sufficient to establish a definitive association between this variant and the reported condition. Therefore, this variant is classified as a variant of uncertain significance.